The following is an entry in ClinVar:

ClinVar aggregate classification (germline): Uncertain significance (1 of 4 stars; one submission).

Conditions:
Cardiovascular phenotype. Identifiers: MedGen CN230736.

Submission:

Ambry Genetics
Classification: Uncertain significance for Cardiovascular phenotype. Last evaluated: 2023-01-23. Review status: criteria provided, single submitter. Criteria: Ambry Variant Classification Scheme 2023. Collection method: clinical testing. Allele origin: germline.
Comment: The c.46792_46794delTGG variant (also known as p.W15598del) is located in coding exon 153 of the TTN gene. This variant results from an in-frame TGG deletion at nucleotide positions 46792 to 46794. This results in the in-frame deletion of a tryptophan at codon 15598. This amino acid position is highly conserved in available vertebrate species. In addition, this alteration is predicted to be deleterious by in silico analysis (Choi Y et al. PLoS ONE. 2012; 7(10):e46688). Since supporting evidence is limited at this time, the clinical significance of this alteration remains unclear.

NM_001267550.2(TTN):c.73987_73989del (p.Trp24663del)

Genes: TTN (titin; minus strand), TTN-AS1 (TTN antisense RNA 1; plus strand). Cytogenetic location: 2q31.2.
Variant type: Deletion.
Coding change: c.73987_73989del on transcript NM_001267550.2 (MANE Select); coding-DNA positions 73987 to 73989, 3 bases deleted (TGG; older notation c.73987_73989delTGG).
Protein change: p.Trp24663del; deletes tryptophan 24663.
Molecular consequence: inframe deletion.
Genome position (GRCh38, 1-based): chr2:178,572,143-178,572,145, CCA deleted on the plus strand (TGG on the coding strand, the reverse complement: TTN is on the minus strand). VCF-style (leftmost placement, unchanged base first): chr2-178572142-CCCA-C. GRCh37 (hg19) VCF-style: chr2-179436869-CCCA-C.
Other names: c.69064_69066del, p.Trp23022del (NM_001256850.1); c.46792_46794del, p.Trp15598del (NM_003319.4); c.66283_66285del, p.Trp22095del (NM_133378.4); c.47167_47169del, p.Trp15723del (NM_133432.3); c.47368_47370del, p.Trp15790del (NM_133437.4); c.46792_46794delTGG (NM_003319.4); short protein forms W15790del, W22095del, W15598del, W15723del, W23022del, W24663del.
Identifiers: ClinVar variation 2451859 (VCV002451859.2), dbSNP rs2468524867, ClinGen allele CA2580064768.